The following is an entry in ClinVar:

NM_006031.6(PCNT):c.537G>A (p.Pro179=)

Gene: PCNT (pericentrin; plus strand). Cytogenetic location: 21q22.3.
Variant type: single nucleotide variant.
Coding change: c.537G>A on transcript NM_006031.6 (MANE Select); coding-DNA position 537, G replaced by A.
Protein change: p.Pro179=; no amino-acid change (proline 179 retained).
Molecular consequence: synonymous variant.
Genome position (GRCh38, 1-based): chr21:46,334,666, G>A. VCF-style: chr21-46334666-G-A. GRCh37 (hg19) VCF-style: chr21-47754580-G-A.
Other names: c.183G>A, p.Pro61= (NM_001315529.2).
Identifiers: ClinVar variation 897153 (VCV000897153.22), dbSNP rs754732068, ClinGen allele CA10078294.

ClinVar aggregate classification (germline): Conflicting classifications of pathogenicity. Review status: criteria provided, conflicting classifications (1 of 4 stars). 4 submissions from 4 submitters: Uncertain significance (1); Likely benign (2). 1 of the submissions does not count toward it. Last evaluated 2025-12-31.

Conditions:
PCNT-related disorder. Also called: PCNT-related condition.
Microcephalic osteodysplastic primordial dwarfism type II (MOPD2). Also called: MOPD II; OSTEODYSPLASTIC PRIMORDIAL DWARFISM, TYPE II; Microcephalic osteodysplastic primordial dwarfism with tooth abnormalities. Identifiers: MedGen C0432246, MONDO:0008872, OMIM 210720, Orphanet 2637.

Allele frequency attached by ClinVar (database versions not stated): ExAC 0.00007.

Submissions (4):

Labcorp Genetics (formerly Invitae), Labcorp
Classification: Likely benign. Last evaluated: 2025-12-31. Review status: criteria provided, single submitter. Criteria: Invitae Variant Classification Sherloc (09022015). Collection method: clinical testing. Allele origin: germline.

CeGaT Center for Human Genetics Tuebingen
Classification: Likely benign. Last evaluated: 2025-04-01. Review status: criteria provided, single submitter. Criteria: CeGaT Center For Human Genetics Tuebingen Variant Classification Criteria Version 2. Collection method: clinical testing. Allele origin: germline. Affected: yes. Observed: 3 variant alleles.
Comment: PCNT: BP4, BP7

Illumina Laboratory Services, Illumina
Classification: Uncertain significance for Microcephalic osteodysplastic primordial dwarfism type II. Last evaluated: 2018-01-13. Review status: criteria provided, single submitter. Criteria: ICSL Variant Classification Criteria 13 December 2019. Collection method: clinical testing. Allele origin: germline.

PreventionGenetics, part of Exact Sciences
Classification: Likely benign for PCNT-related condition. Last evaluated: 2022-11-23. Review status: no assertion criteria provided. Collection method: clinical testing. Allele origin: germline. Not counted in ClinVar's aggregate classification.
Comment: This variant is classified as likely benign based on ACMG/AMP sequence variant interpretation guidelines (Richards et al. 2015 PMID: 25741868, with internal and published modifications).